The following is an entry in ClinVar:

ClinVar aggregate classification (germline): Pathogenic (1 of 4 stars; one submission).

Conditions:
Developmental and epileptic encephalopathy. Identifiers: MedGen C5779964, MONDO:0100620.

Submission:

Labcorp Genetics (formerly Invitae), Labcorp
Classification: Pathogenic for Early-infantile DEE. Last evaluated: 2019-07-17. Review status: criteria provided, single submitter. Criteria: Invitae Variant Classification Sherloc (09022015). Collection method: clinical testing. Allele origin: germline.
Comment: For these reasons, this variant has been classified as Pathogenic. Loss-of-function variants in SCN1A are known to be pathogenic (PMID: 17347258, 18930999). This variant has not been reported in the literature in individuals with SCN1A-related conditions. This variant is a gross deletion of the genomic region encompassing exons 1-24 of the SCN1A gene, which includes the initiator codon. The 5' end of this event is unknown as it extends beyond the assayed region for this gene and therefore may encompass additional genes. The 3' boundary is likely confined to intron 24 of the SCN1A gene. This is expected to result in an absent or disrupted protein product.

Literature cited by the submitters: PubMed 17347258; PubMed 18930999.

NC_000002.12:g.(?_165995993)_(166073641_?)del

Gene: SCN1A (sodium voltage-gated channel alpha subunit 1; minus strand). Cytogenetic location: 2q24.3.
Variant type: Deletion.
Identifiers: ClinVar variation 831240 (VCV000831240.4).